The following is an entry in ClinVar:

ClinVar aggregate classification (germline): Uncertain significance (1 of 4 stars; one submission).

Conditions:
Neurofibromatosis, type 1 (NF1). Also called: NEUROFIBROMATOSIS, TYPE I, SOMATIC; VON RECKLINGHAUSEN DISEASE; Neurofibromatosis, type I; Peripheral type neurofibromatosis. Identifiers: Orphanet 636, MedGen C0027831, MONDO:0018975, OMIM 162200. Disease mechanism: loss of function.

Submission:

Labcorp Genetics (formerly Invitae), Labcorp
Classification: Uncertain significance for Neurofibromatosis, type 1. Last evaluated: 2021-02-05. Review status: criteria provided, single submitter. Criteria: Invitae Variant Classification Sherloc (09022015). Collection method: clinical testing. Allele origin: germline.
Comment: This variant is not present in population databases (ExAC no frequency). This variant has not been reported in the literature in individuals with NF1-related conditions. Experimental studies and prediction algorithms are not available or were not evaluated, and the functional significance of this variant is currently unknown. In summary, the available evidence is currently insufficient to determine the role of this variant in disease. Therefore, it has been classified as a Variant of Uncertain Significance. This variant, c.4954_4956del, results in the deletion of 1 amino acid(s) of the NF1 protein (p.Asn1652del), but otherwise preserves the integrity of the reading frame.

NM_001042492.3(NF1):c.5017_5019del (p.Asn1673del)

Gene: NF1 (neurofibromin 1; plus strand). Cytogenetic location: 17q11.2.
Variant type: Deletion.
Coding change: c.5017_5019del on transcript NM_001042492.3 (MANE Select); coding-DNA positions 5017 to 5019, 3 bases deleted (AAC; older notation c.5017_5019delAAC).
Protein change: p.Asn1673del; deletes asparagine 1673.
Molecular consequence: inframe deletion. On other transcripts: inframe indel (1).
Genome position (GRCh38, 1-based): chr17:31,326,001-31,326,003, AAC deleted; deleting any 3 consecutive bases within chr17:31,325,999-31,326,003 gives the same sequence; the c. name uses the placement nearest the transcript's 3' end. VCF-style (leftmost placement, unchanged base first): chr17-31325998-GACA-G. GRCh37 (hg19) VCF-style: chr17-29653016-GACA-G.
Other names: c.4954_4956delAAC, p.Asn1652del (NM_000267.4); short protein forms N1673del, N1652del.
Identifiers: ClinVar variation 1360486 (VCV001360486.8), dbSNP rs2151538129, ClinGen allele CA2573153357.
Genomic context (GRCh38, chr17:31,325,998, plus strand): 5'-AATCGCTTTAAAACAGACTTTCTCTCTAAGTGGTTTGTTGTTTTTCCTGGCTTTGCTTAC[GACA>G]ACGTCTCCGCAGTCTATATCTATAACTGTAACTCCTGGGTCAGGGAGTACACCAAGTATC-3'